The following is an entry in ClinVar:

ClinVar aggregate classification (germline): Uncertain significance (1 of 4 stars; one submission).

Allele frequency attached by ClinVar (database versions not stated): TOPMed below 0.00001.
gnomAD v4.1: 13 of 1,583,670 alleles (0.00082%); highest among the groups gnomAD compares: Admixed American, 0.0036%; no homozygotes.

Submission:

Labcorp Genetics (formerly Invitae), Labcorp
Classification: Uncertain significance. Last evaluated: 2024-10-24. Review status: criteria provided, single submitter. Criteria: Invitae Variant Classification Sherloc (09022015). Collection method: clinical testing. Allele origin: germline.
Comment: This sequence change replaces arginine, which is basic and polar, with tryptophan, which is neutral and slightly polar, at codon 1708 of the MYH14 protein (p.Arg1708Trp). The frequency data for this variant in the population databases is considered unreliable, as metrics indicate poor data quality at this position in the gnomAD database. This variant has not been reported in the literature in individuals affected with MYH14-related conditions. Invitae Evidence Modeling of protein sequence and biophysical properties (such as structural, functional, and spatial information, amino acid conservation, physicochemical variation, residue mobility, and thermodynamic stability) indicates that this missense variant is expected to disrupt MYH14 protein function with a positive predictive value of 80%. In summary, the available evidence is currently insufficient to determine the role of this variant in disease. Therefore, it has been classified as a Variant of Uncertain Significance.

NM_001145809.2(MYH14):c.5245C>T (p.Arg1749Trp)

Gene: MYH14 (myosin heavy chain 14; plus strand). Cytogenetic location: 19q13.33.
Variant type: single nucleotide variant.
Coding change: c.5245C>T on transcript NM_001145809.2 (MANE Select); coding-DNA position 5245, C replaced by T.
Protein change: p.Arg1749Trp; replaces arginine 1749 with tryptophan.
Molecular consequence: missense variant.
Genome position (GRCh38, 1-based): chr19:50,292,378, C>T. VCF-style: chr19-50292378-C-T. GRCh37 (hg19) VCF-style: chr19-50795635-C-T.
Other names: c.5146C>T, p.Arg1716Trp (NM_001077186.2); c.5122C>T, p.Arg1708Trp (NM_024729.4); short protein forms R1708W, R1716W, R1749W.
Identifiers: ClinVar variation 2715923 (VCV002715923.3), dbSNP rs1312780913, ClinGen allele CA406962678.
Genomic context (GRCh38, chr19:50,292,378, plus strand): 5'-ATCTTCTCCCAGAATCGGGAAAGTGAAAAGCGCCTCAAGGGCCTGGAGGCTGAGGTGCTG[C>T]GGCTGCAGGAGGTGAGGCTGGGGTAGGCTGGGCCCTGGGACAGGAAGCTGGGAGGTGGGC-3'
Protein context (NP_001139281.1, residues 1739-1759): RLKGLEAEVL[Arg1749Trp]LQEELAASDR